The following is an entry in ClinVar:

ClinVar aggregate classification (germline): Likely pathogenic (1 of 4 stars; one submission).

Conditions:
Gaucher disease. Also called: Acute cerebral Gaucher disease; Cerebroside lipidosis syndrome; Gaucher splenomegaly; Sphingolipidosis 1; Glucocerebrosidosis; Glucosylceramidase deficiency. Identifiers: Orphanet 355, MedGen C0017205, MONDO:0018150.

Submission:

Natera, Inc.
Classification: Likely pathogenic for Gaucher disease. Last evaluated: 2025-12-18. Review status: criteria provided, single submitter. Criteria: Natera Variant Classification Schema (03/2026). Collection method: clinical testing. Allele origin: germline.
Comment: The c.1160G>A variant in GBA1 is a nonsense variant predicted to introduce a stop codon at amino acid 387. This variant is expected to result in nonsense mediated decay, truncation, or a dysfunctional protein product. This variant is rare in the general population with a frequency below the threshold expected for the associated phenotype(s). Given the available evidence, this variant is classified as Likely Pathogenic.

NM_000157.4(GBA1):c.1160G>A (p.Trp387Ter)

Genes: GBA1 (glucosylceramidase beta 1; minus strand), LOC106627981 (GBA recombination region; plus strand). Cytogenetic location: 1q22.
Variant type: single nucleotide variant.
Coding change: c.1160G>A on transcript NM_000157.4 (MANE Select); coding-DNA position 1160, G replaced by A.
Protein change: p.Trp387Ter; replaces tryptophan 387 with a stop codon.
Molecular consequence: nonsense.
Genome position (GRCh38, 1-based): chr1:155,236,309, C>T on the plus strand (G>A on the coding strand, the complement: GBA1 is on the minus strand). VCF-style: chr1-155236309-C-T. GRCh37 (hg19) VCF-style: chr1-155206100-C-T.
Other names: c.1160G>A, p.Trp387Ter (NM_001005741.3, NM_001005742.3); c.899G>A, p.Trp300Ter (NM_001171811.2); c.1013G>A, p.Trp338Ter (NM_001171812.2); short protein forms W300*, W338*, W387*.
Identifiers: ClinVar variation 4817686 (VCV004817686.1).